The following is an entry in ClinVar:

ClinVar aggregate classification (germline): Likely benign. Review status: criteria provided, multiple submitters, no conflicts (2 of 4 stars). 3 submissions from 3 submitters: Likely benign (2). 1 of the submissions does not count toward it. Last evaluated 2024-09-30.

Conditions:
KLF11-related disorder. Also called: KLF11-related condition.

Allele frequency attached by ClinVar (database versions not stated): gnomAD exomes 0.00003; ExAC 0.00008; gnomAD 0.00010; TOPMed 0.00010; 1000 Genomes Project 30x 0.00078; 1000 Genomes Project 0.00080.
gnomAD v4.1: 56 of 1,614,030 alleles (0.0035%); highest among the groups gnomAD compares: East Asian, 0.038%; no homozygotes.

Submissions (3):

Blueprint Genetics
Classification: Likely benign. Last evaluated: 2024-09-30. Review status: criteria provided, single submitter. Criteria: ACMG Guidelines, 2015. Collection method: clinical testing. Allele origin: germline.

Labcorp Genetics (formerly Invitae), Labcorp
Classification: Likely benign. Last evaluated: 2024-04-18. Review status: criteria provided, single submitter. Criteria: Invitae Variant Classification Sherloc (09022015). Collection method: clinical testing. Allele origin: germline.

PreventionGenetics, part of Exact Sciences
Classification: Likely benign for KLF11-related condition. Last evaluated: 2020-01-29. Review status: no assertion criteria provided. Collection method: clinical testing. Allele origin: germline. Not counted in ClinVar's aggregate classification.
Comment: This variant is classified as likely benign based on ACMG/AMP sequence variant interpretation guidelines (Richards et al. 2015 PMID: 25741868, with internal and published modifications).

NM_003597.5(KLF11):c.1371G>A (p.Pro457=)

Gene: KLF11 (KLF transcription factor 11; plus strand). Cytogenetic location: 2p25.1.
Variant type: single nucleotide variant.
Coding change: c.1371G>A on transcript NM_003597.5 (MANE Select); coding-DNA position 1371, G replaced by A.
Protein change: p.Pro457=; no amino-acid change (proline 457 retained).
Molecular consequence: synonymous variant.
Genome position (GRCh38, 1-based): chr2:10,052,339, G>A. VCF-style: chr2-10052339-G-A. GRCh37 (hg19) VCF-style: chr2-10192466-G-A.
Other names: c.1320G>A, p.Pro440= (NM_001177716.2, NM_001177718.2); c.1371G>A (NM_003597.4).
Identifiers: ClinVar variation 2727861 (VCV002727861.6), dbSNP rs550244177, ClinGen allele CA1525767.